The following is an entry in ClinVar:

NM_004714.3(DYRK1B):c.970C>T (p.Arg324Cys)

Gene: DYRK1B (dual specificity tyrosine phosphorylation regulated kinase 1B; minus strand). Cytogenetic location: 19q13.2.
Variant type: single nucleotide variant.
Coding change: c.970C>T on transcript NM_004714.3 (MANE Select); coding-DNA position 970, C replaced by T.
Protein change: p.Arg324Cys; replaces arginine 324 with cysteine.
Molecular consequence: missense variant.
Genome position (GRCh38, 1-based): chr19:39,827,410, G>A on the plus strand (C>T on the coding strand, the complement: DYRK1B is on the minus strand). VCF-style: chr19-39827410-G-A. GRCh37 (hg19) VCF-style: chr19-40318050-G-A.
Other names: c.970C>T, p.Arg324Cys (NM_006483.3, NM_006484.3); short protein forms R324C.
Identifiers: ClinVar variation 2636132 (VCV002636132.2), dbSNP rs764175273, ClinGen allele CA9434152.

ClinVar aggregate classification (germline): Uncertain significance (1 of 4 stars; one submission).

Conditions:
DYRK1B-related disorder. Also called: DYRK1B-related condition.

Allele frequency attached by ClinVar (database versions not stated): ExAC 0.00004; TOPMed 0.00004; gnomAD 0.00005; gnomAD exomes 0.00005.
gnomAD v4.1: 74 of 1,612,254 alleles (0.0046%); highest among the groups gnomAD compares: African/African-American, 0.0053%; no homozygotes.

Submission:

PreventionGenetics, part of Exact Sciences
Classification: Uncertain significance for DYRK1B-related condition. Last evaluated: 2026-06-29. Review status: criteria provided, single submitter. Criteria: ACMG Guidelines, 2015. Collection method: clinical testing. Allele origin: germline.
Comment: The DYRK1B c.970C>T variant is predicted to result in the amino acid substitution p.Arg324Cys. This variant was reported as a variant of uncertain significance in an individual from a cohort with dyslipidemias; however, no additional evidence was provided to support causation (Dron et al. 2020. PubMed ID: 32041611). This variant is reported in 0.0071% of alleles in individuals of European (Non-Finnish) descent in gnomAD. At this time, the clinical significance of this variant is uncertain due to the absence of conclusive functional and genetic evidence.